The following is an entry in ClinVar:

ClinVar aggregate classification (germline): Uncertain significance (1 of 4 stars; one submission).

Submission:

GeneDx
Classification: Uncertain significance. Last evaluated: 2018-08-24. Review status: criteria provided, single submitter. Criteria: GeneDx Variant Classification (06012015). Collection method: clinical testing. Allele origin: germline. Affected: yes.
Comment: The V74I variant in the SOS1 gene has not been reported previously as a pathogenic variant, nor as a benign variant, to our knowledge. The V74I variant is not observed in large population cohorts (Lek et al., 2016). The V74I variant is a conservative amino acid substitution, which is not likely to impact secondary protein structure as these residues share similar properties. In-silico analyses, including protein predictors and evolutionary conservation, support that this variant does not alter protein structure/function. However, missense variants represent the majority of pathogenic variants in this gene. We interpret SOS1 as a variant of uncertain significance.

NM_005633.4(SOS1):c.220G>A (p.Val74Ile)

Gene: SOS1 (SOS Ras/Rac guanine nucleotide exchange factor 1; minus strand). Cytogenetic location: 2p22.1.
Variant type: single nucleotide variant.
Coding change: c.220G>A on transcript NM_005633.4 (MANE Select); coding-DNA position 220, G replaced by A.
Protein change: p.Val74Ile; replaces valine 74 with isoleucine.
Molecular consequence: missense variant.
Genome position (GRCh38, 1-based): chr2:39,058,798, C>T on the plus strand (G>A on the coding strand, the complement: SOS1 is on the minus strand). VCF-style: chr2-39058798-C-T. GRCh37 (hg19) VCF-style: chr2-39285939-C-T.
Other names: c.199G>A, p.Val67Ile (NM_001382394.1); c.220G>A, p.Val74Ile (NM_001382395.1); short protein forms V74I, V67I.
Identifiers: ClinVar variation 561976 (VCV000561976.1), dbSNP rs1292587800, ClinGen allele CA346374056.
Genomic context (GRCh38, chr2:39,058,798, plus strand): 5'-TAGCTGATTGGGCATCAGCTATTGCCCATTTATCAATTGGATGAGGGAAACTTTTTTGAA[C>T]ACGTTCCTTGGAAAATAGGAAAATAACAACTAAGCAAAAAATATATTAAATAGTGCTCTT-3'
Protein context (NP_005624.2, residues 64-84): PRSASDVEER[Val74Ile]QKSFPHPIDK